The following is an entry in ClinVar:

ClinVar aggregate classification (germline): Uncertain significance (1 of 4 stars; one submission).

Conditions:
Neuroblastoma, susceptibility to, 3. Also called: ALK-Related Neuroblastic Tumor Susceptibility. Identifiers: Orphanet 635, MedGen C2751681, MONDO:0013083, OMIM 613014.

Allele frequency attached by ClinVar (database versions not stated): gnomAD exomes below 0.00001.
gnomAD v4.1: 1 of 1,614,132 alleles (0.000062%); highest among the groups gnomAD compares: Non-Finnish European, 0.000085%; no homozygotes.

Submission:

Labcorp Genetics (formerly Invitae), Labcorp
Classification: Uncertain significance for Neuroblastoma, susceptibility to, 3. Last evaluated: 2022-07-09. Review status: criteria provided, single submitter. Criteria: Invitae Variant Classification Sherloc (09022015). Collection method: clinical testing. Allele origin: germline.
Comment: This variant is not present in population databases (gnomAD no frequency). This sequence change creates a premature translational stop signal (p.Gln610*) in the ALK gene. It is expected to result in an absent or disrupted protein product. However, the current clinical and genetic evidence is not sufficient to establish whether loss-of-function variants in ALK cause disease. This variant has not been reported in the literature in individuals affected with ALK-related conditions. In summary, the available evidence is currently insufficient to determine the role of this variant in disease. Therefore, it has been classified as a Variant of Uncertain Significance.

NM_004304.5(ALK):c.1828C>T (p.Gln610Ter)

Gene: ALK (ALK receptor tyrosine kinase; minus strand). Cytogenetic location: 2p23.2.
Variant type: single nucleotide variant.
Coding change: c.1828C>T on transcript NM_004304.5 (MANE Select); coding-DNA position 1828, C replaced by T.
Protein change: p.Gln610Ter; replaces glutamine 610 with a stop codon.
Molecular consequence: nonsense.
Genome position (GRCh38, 1-based): chr2:29,275,486, G>A on the plus strand (C>T on the coding strand, the complement: ALK is on the minus strand). VCF-style: chr2-29275486-G-A. GRCh37 (hg19) VCF-style: chr2-29498352-G-A.
Other names: short protein forms Q610*.
Identifiers: ClinVar variation 2015346 (VCV002015346.4), dbSNP rs2465332304, ClinGen allele CA346480035.